The following is an entry in ClinVar:

NM_000458.4(HNF1B):c.1370C>T (p.Pro457Leu)

Gene: HNF1B (HNF1 homeobox B; minus strand). Cytogenetic location: 17q12.
Variant type: single nucleotide variant.
Coding change: c.1370C>T on transcript NM_000458.4 (MANE Select); coding-DNA position 1370, C replaced by T.
Protein change: p.Pro457Leu; replaces proline 457 with leucine.
Molecular consequence: missense variant. On other transcripts: intron variant (1).
Genome position (GRCh38, 1-based): chr17:37,701,147, G>A on the plus strand (C>T on the coding strand, the complement: HNF1B is on the minus strand). VCF-style: chr17-37701147-G-A. GRCh37 (hg19) VCF-style: chr17-36061152-G-A.
Other names: c.1292C>T, p.Pro431Leu (NM_001165923.4); c.1370C>T, p.Pro457Leu (NM_001411100.1); c.1261+3770C>T (NM_001304286.2); short protein forms P431L, P457L.
Identifiers: ClinVar variation 3242141 (VCV003242141.1), dbSNP rs2511700965.

ClinVar aggregate classification (germline): Uncertain significance (1 of 4 stars; one submission).

Conditions:
Renal cysts and diabetes syndrome (RCAD). Also called: MATURITY-ONSET DIABETES OF THE YOUNG, TYPE 5; Familial hypoplastic, glomerulocystic kidney. Identifiers: Orphanet 93111, MedGen C0431693, MONDO:0007669, OMIM 137920.

Submission:

Neuberg Centre For Genomic Medicine, NCGM
Classification: Uncertain significance for Renal cysts and diabetes syndrome. Review status: criteria provided, single submitter. Criteria: ACMG Guidelines, 2015. Collection method: clinical testing. Allele origin: germline. Inheritance: Autosomal dominant inheritance. Affected: yes.
Comment: The observed missense c.1370C>T(p.Pro457Leu) variant in HNF1B gene has not been reported previously as a pathogenic variant nor as a benign variant, to our knowledge. The p.Pro457Leu variant is absent in gnomAD Exomes database. This variant has not been submitted to the ClinVar database. The amino acid change p.Pro457Leu in HNF1B is predicted as conserved by GERP++ and PhyloP across 100 vertebrates. The amino acid Pro at position 457 is changed to a Leu changing protein sequence and it might alter its composition and physico-chemical properties. Multiple lines of computational evidence (Polyphen - Damaging, SIFT - Damaging and MutationTaster - Disease causing) predict a damaging effect on protein structure and function for this variant. For these reasons, this variant has been classified as Variant of Uncertain Significance (VUS).